The following is an entry in ClinVar:

ClinVar aggregate classification (germline): Uncertain significance (1 of 4 stars; one submission).

Conditions:
Inborn genetic diseases. Identifiers: MedGen C0950123, MeSH D030342.

gnomAD v4.1: 1 of 1,608,024 alleles (0.000062%); highest among the groups gnomAD compares: Non-Finnish European, 0.000085%; no homozygotes.

Submission:

Ambry Genetics
Classification: Uncertain significance for Inborn genetic diseases. Last evaluated: 2024-12-12. Review status: criteria provided, single submitter. Criteria: Ambry Variant Classification Scheme 2023. Collection method: clinical testing. Allele origin: germline.
Comment: The p.L170F variant (also known as c.510A>T), located in coding exon 5 of the FANCA gene, results from an A to T substitution at nucleotide position 510. The leucine at codon 170 is replaced by phenylalanine, an amino acid with highly similar properties. This amino acid position is conserved. In addition, this alteration is predicted to be tolerated by in silico analysis. Based on the available evidence, the clinical significance of this variant remains unclear.

NM_000135.4(FANCA):c.510A>T (p.Leu170Phe)

Gene: FANCA (FA complementation group A; minus strand). Cytogenetic location: 16q24.3.
Variant type: single nucleotide variant.
Coding change: c.510A>T on transcript NM_000135.4 (MANE Select); coding-DNA position 510, A replaced by T.
Protein change: p.Leu170Phe; replaces leucine 170 with phenylalanine.
Molecular consequence: missense variant. On other transcripts: intron variant (1).
Genome position (GRCh38, 1-based): chr16:89,810,719, T>A on the plus strand (A>T on the coding strand, the complement: FANCA is on the minus strand). VCF-style: chr16-89810719-T-A. GRCh37 (hg19) VCF-style: chr16-89877127-T-A.
Other names: c.510A>T, p.Leu170Phe (NM_001018112.3, NM_001286167.3); c.426+210A>T (NM_001351830.2); short protein forms L170F.
Identifiers: ClinVar variation 3848012 (VCV003848012.1).